The following is an entry in ClinVar:

ClinVar aggregate classification (germline): Uncertain significance. Review status: criteria provided, multiple submitters, no conflicts (2 of 4 stars). 2 submissions from 2 submitters: Uncertain significance (2). Last evaluated 2025-04-26.

Allele frequency attached by ClinVar (database versions not stated): 1000 Genomes Project 30x 0.00047; 1000 Genomes Project 0.00060.
gnomAD v4.1: 129 of 1,614,150 alleles (0.008%); highest among the groups gnomAD compares: African/African-American, 0.16%; no homozygotes.

Submissions (2):

Labcorp Genetics (formerly Invitae), Labcorp
Classification: Uncertain significance. Last evaluated: 2025-04-26. Review status: criteria provided, single submitter. Criteria: Invitae Variant Classification Sherloc (09022015). Collection method: clinical testing. Allele origin: germline.
Comment: This sequence change replaces aspartic acid, which is acidic and polar, with histidine, which is basic and polar, at codon 1513 of the FAT2 protein (p.Asp1513His). This variant is present in population databases (rs61743237, gnomAD 0.2%), and has an allele count higher than expected for a pathogenic variant. This variant has not been reported in the literature in individuals affected with FAT2-related conditions. ClinVar contains an entry for this variant (Variation ID: 2044716). Invitae Evidence Modeling of protein sequence and biophysical properties (such as structural, functional, and spatial information, amino acid conservation, physicochemical variation, residue mobility, and thermodynamic stability) indicates that this missense variant is not expected to disrupt FAT2 protein function with a negative predictive value of 80%. In summary, the available evidence is currently insufficient to determine the role of this variant in disease. Therefore, it has been classified as a Variant of Uncertain Significance.

Ambry Genetics
Classification: Uncertain significance. Last evaluated: 2021-07-21. Review status: criteria provided, single submitter. Criteria: Ambry Variant Classification Scheme 2023. Collection method: clinical testing. Allele origin: germline.

NM_001447.3(FAT2):c.4537G>C (p.Asp1513His)

Genes: FAT2 (FAT atypical cadherin 2; minus strand), SLC36A1 (solute carrier family 36 member 1; plus strand). Cytogenetic location: 5q33.1.
Variant type: single nucleotide variant.
Coding change: c.4537G>C on transcript NM_001447.3 (MANE Select); coding-DNA position 4537, G replaced by C.
Protein change: p.Asp1513His; replaces aspartic acid 1513 with histidine.
Molecular consequence: missense variant.
Genome position (GRCh38, 1-based): chr5:151,550,631, C>G on the plus strand (G>C on the coding strand, the complement: FAT2 is on the minus strand). VCF-style: chr5-151550631-C-G. GRCh37 (hg19) VCF-style: chr5-150930192-C-G.
Other names: c.4537G>C (NM_001447.2); short protein forms D1513H.
Identifiers: ClinVar variation 2044716 (VCV002044716.5), dbSNP rs61743237, ClinGen allele CA3521531.